The following is an entry in ClinVar:

ClinVar aggregate classification (germline): Uncertain significance. Review status: criteria provided, multiple submitters, no conflicts (2 of 4 stars). 3 submissions from 3 submitters: Uncertain significance (3). Last evaluated 2024-09-23.

Conditions:
Potassium-aggravated myotonia. Also called: Myotonia congenita, atypical, acetazolamide-responsive; MYOTONIA CONGENITA, ACETAZOLAMIDE-RESPONSIVE; MYOTONIA CONGENITA, ATYPICAL; SODIUM CHANNEL MUSCLE DISEASE. Identifiers: Orphanet 612, Orphanet 99734, Orphanet 99735, Orphanet 99736, MedGen C2931826, MONDO:0018959, OMIM 608390.
Congenital myasthenic syndrome 16. Identifiers: Orphanet 590, MedGen C3280112, MONDO:0013620, OMIM 614198.
Paramyotonia congenita of Von Eulenburg. Also called: Paramyotonia Congenita; PARALYSIS PERIODICA PARAMYOTONICA; Eulenburg disease; Myotonia congenita intermittens; Von Eulenburg paramyotonia congenita. Identifiers: Orphanet 684, MedGen C0221055, MONDO:0008195, OMIM 168300. Disease mechanism: loss of function.
Hypokalemic periodic paralysis, type 2 (HOKPP2). Identifiers: Orphanet 681, MedGen C2750061, MONDO:0013234, OMIM 613345.
Congenital myopathy 22A, classic (CMYO22A). Identifiers: MedGen C5830453, MONDO:0957247, OMIM 620351.
Congenital myopathy 22B, severe fetal (CMYO22B). Identifiers: MedGen C5830501, MONDO:0957265, OMIM 620369.
Hyperkalemic periodic paralysis. Also called: Familial hyperkalemic periodic paralysis; Gamstorp disease. Identifiers: Orphanet 682, MedGen C0238357, MONDO:0008224, OMIM 170500, HP:0007215.

Allele frequency attached by ClinVar (database versions not stated): gnomAD exomes 0.00001 and below 0.00001; TOPMed 0.00003; gnomAD 0.00002.
gnomAD v4.1: 8 of 1,613,584 alleles (0.0005%); highest among the groups gnomAD compares: African/African-American, 0.0067%; no homozygotes.

Submissions (3):

Labcorp Genetics (formerly Invitae), Labcorp
Classification: Uncertain significance for Hyperkalemic periodic paralysis. Last evaluated: 2024-09-23. Review status: criteria provided, single submitter. Criteria: Invitae Variant Classification Sherloc (09022015). Collection method: clinical testing. Allele origin: germline.
Comment: This sequence change replaces threonine, which is neutral and polar, with isoleucine, which is neutral and non-polar, at codon 140 of the SCN4A protein (p.Thr140Ile). This variant is present in population databases (no rsID available, gnomAD 0.01%). This variant has not been reported in the literature in individuals affected with SCN4A-related conditions. ClinVar contains an entry for this variant (Variation ID: 1022410). Invitae Evidence Modeling of protein sequence and biophysical properties (such as structural, functional, and spatial information, amino acid conservation, physicochemical variation, residue mobility, and thermodynamic stability) has been performed for this missense variant. However, the output from this modeling did not meet the statistical confidence thresholds required to predict the impact of this variant on SCN4A protein function. In summary, the available evidence is currently insufficient to determine the role of this variant in disease. Therefore, it has been classified as a Variant of Uncertain Significance.

Fulgent Genetics
Classification: Uncertain significance for Paramyotonia congenita of Von Eulenburg; Hyperkalemic periodic paralysis; Potassium-aggravated myotonia; Hypokalemic periodic paralysis, type 2; Congenital myasthenic syndrome 16; Congenital myopathy 22A, classic; Congenital myopathy 22B, severe fetal. Last evaluated: 2024-06-02. Review status: criteria provided, single submitter. Criteria: ACMG Guidelines, 2015. Collection method: clinical testing. Allele origin: germline.

Revvity Omics, Revvity
Classification: Uncertain significance. Last evaluated: 2019-10-14. Review status: criteria provided, single submitter. Criteria: ACMG Guidelines, 2015. Collection method: clinical testing. Allele origin: germline.

NM_000334.4(SCN4A):c.419C>T (p.Thr140Ile)

Gene: SCN4A (sodium voltage-gated channel alpha subunit 4; minus strand). Cytogenetic location: 17q23.3.
Variant type: single nucleotide variant.
Coding change: c.419C>T on transcript NM_000334.4 (MANE Select); coding-DNA position 419, C replaced by T.
Protein change: p.Thr140Ile; replaces threonine 140 with isoleucine.
Molecular consequence: missense variant.
Genome position (GRCh38, 1-based): chr17:63,972,199, G>A on the plus strand (C>T on the coding strand, the complement: SCN4A is on the minus strand). VCF-style: chr17-63972199-G-A. GRCh37 (hg19) VCF-style: chr17-62049559-G-A.
Other names: short protein forms T140I.
Identifiers: ClinVar variation 1022410 (VCV001022410.14), dbSNP rs967530693, ClinGen allele CA292972784.